The following is an entry in ClinVar:

NM_000071.3(CBS):c.694C>G (p.His232Asp)

Gene: CBS (cystathionine beta-synthase; minus strand). Cytogenetic location: 21q22.3.
Variant type: single nucleotide variant.
Coding change: c.694C>G on transcript NM_000071.3 (MANE Select); coding-DNA position 694, C replaced by G.
Protein change: p.His232Asp; replaces histidine 232 with aspartic acid.
Molecular consequence: missense variant.
Genome position (GRCh38, 1-based): chr21:43,065,245, G>C on the plus strand (C>G on the coding strand, the complement: CBS is on the minus strand). VCF-style: chr21-43065245-G-C. GRCh37 (hg19) VCF-style: chr21-44485355-G-C.
Other names: c.694C>G, p.His232Asp (NM_001178008.3, NM_001178009.3, NM_001320298.2); c.379C>G, p.His127Asp (NM_001321072.1); short protein forms H127D, H232D.
Identifiers: ClinVar variation 2680415 (VCV002680415.4), dbSNP rs1982504069, ClinGen allele CA410600584.

ClinVar aggregate classification (germline): Conflicting classifications of pathogenicity. Review status: criteria provided, conflicting classifications (1 of 4 stars). 4 submissions from 4 submitters: Pathogenic (1); Likely pathogenic (2); Uncertain significance (1). Last evaluated 2026-03-17.

Conditions:
Homocystinuria. Identifiers: MedGen C0019880, MONDO:0004737, HP:0002156.
Classic homocystinuria. Also called: Homocystinuria due to Cystathionine Beta-Synthase Deficiency; HOMOCYSTINURIA WITH OR WITHOUT RESPONSE TO PYRIDOXINE; Homocystinuria due to CBS deficiency; Cystathionine beta-synthase deficiency; CBS deficiency. Identifiers: Orphanet 394, MedGen C0751202, MONDO:0009352, OMIM 236200.

Submissions (4):

Myriad Genetics, Inc.
Classification: Uncertain significance for Classic homocystinuria. Last evaluated: 2026-03-17. Review status: criteria provided, single submitter. Criteria: Myriad Autosomal Dominant, Autosomal Recessive and X-Linked Classification Criteria (2023). Collection method: clinical testing. Allele origin: unknown.
Comment: NM_000071.2(CBS):c.694C>G(H232D) is a missense variant classified as a variant of uncertain significance in the context of homocystinuria, CBS-related. H232D has been observed in cases with relevant disease (PMID: 19261122, 16307898). Relevant functional assessments of this variant are not available in the literature. H232D has not been observed in referenced population frequency databases. In summary, there is insufficient evidence to classify NM_000071.2(CBS):c.694C>G(H232D) as pathogenic or benign. Please note: this variant was assessed in the context of healthy population screening.

Women's Health and Genetics/Laboratory Corporation of America, LabCorp
Classification: Likely pathogenic for Homocystinuria. Last evaluated: 2025-09-11. Review status: criteria provided, single submitter. Criteria: LabCorp Variant Classification Summary - May 2015. Collection method: clinical testing. Allele origin: germline.
Comment: Variant summary: CBS c.694C>G (p.His232Asp) results in a non-conservative amino acid change in the encoded protein sequence. Algorithms developed to predict the effect of missense changes on protein structure and function all suggest that this variant is likely to be disruptive. The variant was absent in 251410 control chromosomes (gnomAD). c.694C>G has been observed in individuals affected with Homocystinuria (Katsushima_2006, Yoko_2008). These data indicate that the variant may be associated with disease. At least one publication reports experimental evidence evaluating an impact on protein function, finding that the variant results in <10% of normal activity (Katsushima_2006). The following publications have been ascertained in the context of this evaluation (PMID: 16307898, 19261122). ClinVar contains an entry for this variant (Variation ID: 2680415). Based on the evidence outlined above, the variant was classified as likely pathogenic.

Natera, Inc.
Classification: Likely pathogenic for Homocystinuria due to cystathionine beta-synthase deficiency. Last evaluated: 2024-10-30. Review status: criteria provided, single submitter. Criteria: Natera Variant Classification Schema (03/2026). Collection method: clinical testing. Allele origin: germline.
Comment: The c.694C>G variant in CBS is a missense variant predicted to cause substitution of histidine to aspartic acid at amino acid 232. This variant is rare in the general population with a frequency below the threshold expected for the associated phenotype(s). This variant has been observed in one or more individuals affected with the associated recessive disease, as either homozygous or compound heterozygous with a second variant (PMID: 16307898). This variant has been identified in one or more affected individuals with a phenotype highly consistent with the associated gene (PMID: 16307898). Computational prediction algorithms indicate this variant is likely to affect gene or protein function. Given the available evidence, this variant is classified as Likely Pathogenic.

Baylor Genetics
Classification: Pathogenic for Classic homocystinuria. Last evaluated: 2023-01-12. Review status: criteria provided, single submitter. Criteria: ACMG Guidelines, 2015. Collection method: clinical testing. Allele origin: unknown.

Literature cited by the submitters: PubMed 16307898 (cited by 3 submitters); PubMed 19261122 (cited by Myriad Genetics, Inc. and Women's Health and Genetics/Laboratory Corporation of America, LabCorp).